The following is an entry in ClinVar:

NM_017654.4(SAMD9):c.776C>G (p.Ala259Gly)

Gene: SAMD9 (sterile alpha motif domain containing 9; minus strand). Cytogenetic location: 7q21.2.
Variant type: single nucleotide variant.
Coding change: c.776C>G on transcript NM_017654.4 (MANE Select); coding-DNA position 776, C replaced by G.
Protein change: p.Ala259Gly; replaces alanine 259 with glycine.
Molecular consequence: missense variant.
Genome position (GRCh38, 1-based): chr7:93,105,322, G>C on the plus strand (C>G on the coding strand, the complement: SAMD9 is on the minus strand). VCF-style: chr7-93105322-G-C. GRCh37 (hg19) VCF-style: chr7-92734635-G-C.
Other names: c.776C>G, p.Ala259Gly (NM_001193307.2); short protein forms A259G.
Identifiers: ClinVar variation 3949596 (VCV003949596.1).

ClinVar aggregate classification (germline): Uncertain significance (1 of 4 stars; one submission).

Conditions:
Inborn genetic diseases. Identifiers: MedGen C0950123, MeSH D030342.

Submission:

Ambry Genetics
Classification: Uncertain significance for Inborn genetic diseases. Last evaluated: 2025-04-29. Review status: criteria provided, single submitter. Criteria: Ambry Variant Classification Scheme 2023. Collection method: clinical testing. Allele origin: germline.
Comment: The p.A259G variant (also known as c.776C>G), located in coding exon 1 of the SAMD9 gene, results from a C to G substitution at nucleotide position 776. The alanine at codon 259 is replaced by glycine, an amino acid with similar properties. This amino acid position is conserved. In addition, this alteration is predicted to be tolerated by in silico analysis. Based on the available evidence, the clinical significance of this variant remains unclear.